The following is an entry in ClinVar:

NM_001009999.3(KDM1A):c.2501C>T (p.Thr834Ile)

Gene: KDM1A (lysine demethylase 1A; plus strand). Cytogenetic location: 1p36.12.
Variant type: single nucleotide variant.
Coding change: c.2501C>T on transcript NM_001009999.3 (MANE Select); coding-DNA position 2501, C replaced by T.
Protein change: p.Thr834Ile; replaces threonine 834 with isoleucine.
Molecular consequence: missense variant. On other transcripts: 3 prime UTR variant (1).
Genome position (GRCh38, 1-based): chr1:23,083,234, C>T. VCF-style: chr1-23083234-C-T. GRCh37 (hg19) VCF-style: chr1-23409727-C-T.
Other names: c.2447C>T, p.Thr816Ile (NM_001363654.2); c.2507C>T, p.Thr836Ile (NM_001410762.1); c.*749C>T (NM_001410763.1); c.2429C>T, p.Thr810Ile (NM_015013.4); short protein forms T834I, T810I, T816I, T836I.
Identifiers: ClinVar variation 4622685 (VCV004622685.1).

ClinVar aggregate classification (germline): Uncertain significance (1 of 4 stars; one submission).

Conditions:
Inborn genetic diseases. Identifiers: MedGen C0950123, MeSH D030342.

Submission:

Ambry Genetics
Classification: Uncertain significance for Inborn genetic diseases. Last evaluated: 2025-10-22. Review status: criteria provided, single submitter. Criteria: Ambry Variant Classification Scheme 2023. Collection method: clinical testing. Allele origin: germline.
Comment: The p.T834I variant (also known as c.2501C>T), located in coding exon 21 of the KDM1A gene, results from a C to T substitution at nucleotide position 2501. The threonine at codon 834 is replaced by isoleucine, an amino acid with similar properties. This amino acid position is conserved. In addition, this alteration is predicted to be deleterious by in silico analysis. Based on the available evidence, the clinical significance of this variant remains unclear.